The following is an entry in ClinVar:

NM_001369369.1(FOXN1):c.699+4G>A

Gene: FOXN1 (forkhead box N1; plus strand). Cytogenetic location: 17q11.2.
Variant type: single nucleotide variant.
Coding change: c.699+4G>A on transcript NM_001369369.1 (MANE Select); 4 bases into the intron after coding-DNA position 699, G replaced by A.
Molecular consequence: intron variant.
Genome position (GRCh38, 1-based): chr17:28,527,365, G>A. VCF-style: chr17-28527365-G-A. GRCh37 (hg19) VCF-style: chr17-26854383-G-A.
Other names: c.699+4G>A (NM_003593.3).
Identifiers: ClinVar variation 2852096 (VCV002852096.3), dbSNP rs2508378124, ClinGen allele CA2739267263.

ClinVar aggregate classification (germline): Uncertain significance (1 of 4 stars; one submission).

Conditions:
T-cell immunodeficiency, congenital alopecia, and nail dystrophy. Also called: Congenital alopecia and nail dystrophy associated with severe functional T-cell immunodeficiency; Pignata Guarino syndrome. Identifiers: Orphanet 169095, MedGen C1866426, MONDO:0011132, OMIM 601705.

Submission:

Labcorp Genetics (formerly Invitae), Labcorp
Classification: Uncertain significance for T-cell immunodeficiency, congenital alopecia, and nail dystrophy. Last evaluated: 2023-04-04. Review status: criteria provided, single submitter. Criteria: Invitae Variant Classification Sherloc (09022015). Collection method: clinical testing. Allele origin: germline.
Comment: In summary, the available evidence is currently insufficient to determine the role of this variant in disease. Therefore, it has been classified as a Variant of Uncertain Significance. Variants that disrupt the consensus splice site are a relatively common cause of aberrant splicing (PMID: 17576681, 9536098). Algorithms developed to predict the effect of sequence changes on RNA splicing suggest that this variant is not likely to affect RNA splicing. This variant has not been reported in the literature in individuals affected with FOXN1-related conditions. This variant is not present in population databases (gnomAD no frequency). This sequence change falls in intron 3 of the FOXN1 gene. It does not directly change the encoded amino acid sequence of the FOXN1 protein. It affects a nucleotide within the consensus splice site.

Literature cited by the submitters: PubMed 17576681; PubMed 9536098.